The following is an entry in ClinVar:

ClinVar aggregate classification (germline): Pathogenic/Likely pathogenic. Review status: criteria provided, multiple submitters, no conflicts (2 of 4 stars). 3 submissions from 3 submitters: Pathogenic (2); Likely pathogenic (1). Last evaluated 2025-11-06.
ClinVar aggregate classification (somatic clinical impact): Tier II - Potential (1 of 4 stars; one submission).

Conditions:
RRAS2-related disorder. Also called: RRAS2-related condition.
Noonan syndrome 12. Identifiers: MedGen C5231432, MONDO:0032839, OMIM 618624.
Adenocarcinoma of the large intestine. Identifiers: MedGen C1319315, MONDO:0005008, HP:0040275.

Allele frequency attached by ClinVar (database versions not stated): gnomAD exomes below 0.00001.

Submissions (4):

3billion
Classification: Pathogenic for Noonan syndrome 12. Last evaluated: 2025-11-06. Review status: criteria provided, single submitter. Criteria: ACMG Guidelines, 2015. Collection method: clinical testing. Allele origin: germline. Affected: yes.
Comment: The variant is observed at an extremely low frequency in the gnomAD v4.1.0 dataset (total allele frequency: <0.001%). Predicted Consequence/Location: The variant is located in a mutational hot spot and/or well-established functional domain in which established pathogenic variants have been reported (PMID: 31130282). Missense variant. Missense changes are a common disease-causing mechanism. In silico tool predictions suggest damaging effect of the variant on gene or gene product [REVEL: 0.79 (>=0.6, sensitivity 0.68 and specificity 0.92); 3Cnet: 0.86 (> 0.75, sensitivity 0.96 and precision 0.92)]. The same nucleotide change resulting in the same amino acid change has been previously reported as pathogenic/likely pathogenic with strong evidence (ClinVar ID: VCV002446526 /3billion dataset). A different missense change at the same codon (p.Gly24Glu) has been reported to be associated with RRAS2-related disorder (PMID: 38601074). Therefore, this variant is classified as Pathogenic according to the recommendation of ACMG/AMP guideline.

GeneDx
Classification: Pathogenic. Last evaluated: 2025-01-29. Review status: criteria provided, single submitter. Criteria: GeneDx Variant Classification Process June 2021. Collection method: clinical testing. Allele origin: germline. Affected: yes.
Comment: Not observed at significant frequency in large population cohorts (gnomAD); In silico analysis supports that this missense variant has a deleterious effect on protein structure/function; Has not been previously reported in peer-reviewed literature as pathogenic or benign to our knowledge; This variant is associated with the following publications: (PMID: Garcia2023[abstract])

Institute for Genomic Medicine (IGM) Clinical Laboratory, Nationwide Children's Hospital
Classification: Tier II - Potential for Adenocarcinoma of the large intestine. Assertion type: diagnostic. Clinical significance: supports diagnosis. Last evaluated: 2024-08-09. Review status: criteria provided, single submitter. Criteria: AMP/ASCO/CAP Guidelines, 2017. Collection method: clinical testing. Allele origin: somatic. Affected: yes.
Comment: Variant has Tier II (potential) clinical significance as a diagnostic inclusion criterion in colorectal adenocarcinoma, based on the following evidence: 1) Documented in one or more cancer databases (e.g., St. Jude Pecan, COSMIC, CIViC, OncoKB). 2) Information in the literature supports potential biologic effect of variant (PMIDs: 26619011, 29437595, 26457647, 10557073). 3) Diagnostic significance based on multiple small studies (Evidence Level C; PMIDs: 26457647, 29437595, 30425122, 31803624).

Blueprint Genetics
Classification: Likely pathogenic for RRAS2-related disorders. Last evaluated: 2023-12-28. Review status: criteria provided, single submitter. Criteria: ACMG Guidelines, 2015. Collection method: clinical testing. Allele origin: de novo. Affected: yes. Observed: 2 variant alleles.

Literature cited by the submitters: PubMed 38601074 (cited by 3billion); PubMed 26619011 (cited by Institute for Genomic Medicine (IGM) Clinical Laboratory, Nationwide Children's Hospital); PubMed 29437595 (cited by Institute for Genomic Medicine (IGM) Clinical Laboratory, Nationwide Children's Hospital); PubMed 26457647 (cited by Institute for Genomic Medicine (IGM) Clinical Laboratory, Nationwide Children's Hospital); PubMed 10557073 (cited by Institute for Genomic Medicine (IGM) Clinical Laboratory, Nationwide Children's Hospital); PubMed 30425122 (cited by Institute for Genomic Medicine (IGM) Clinical Laboratory, Nationwide Children's Hospital); PubMed 31803624 (cited by Institute for Genomic Medicine (IGM) Clinical Laboratory, Nationwide Children's Hospital).

NM_012250.6(RRAS2):c.71G>A (p.Gly24Asp)

Genes: RRAS2 (RAS related 2; minus strand), LOC130005368 (ATAC-STARR-seq lymphoblastoid silent region 3172; plus strand). Cytogenetic location: 11p15.2.
Variant type: single nucleotide variant.
Coding change: c.71G>A on transcript NM_012250.6 (MANE Select); coding-DNA position 71, G replaced by A.
Protein change: p.Gly24Asp; replaces glycine 24 with aspartic acid.
Molecular consequence: missense variant. On other transcripts: intron variant (1).
Genome position (GRCh38, 1-based): chr11:14,358,800, C>T on the plus strand (G>A on the coding strand, the complement: RRAS2 is on the minus strand). VCF-style: chr11-14358800-C-T. GRCh37 (hg19) VCF-style: chr11-14380346-C-T.
Other names: c.3+5591G>A (NM_001177314.2); short protein forms G24D.
Identifiers: ClinVar variation 2446526 (VCV002446526.6), dbSNP rs2493951813, ClinGen allele CA379862791.
Genomic context (GRCh38, chr11:14,358,800, plus strand): 5'-CCGGGCAGGCCCGCTCCAGGTACCTGGATGAACTGGATGGTGAGCGCCGACTTGCCCACG[C>T]CGCCCCCGCCGACCACCACGAGCCGGTACTTCTCCTGGCCGGAGCCGTCCCGCCAGCCGG-3'
Protein context (NP_036382.2, residues 14-34): KYRLVVVGGG[Gly24Asp]VGKSALTIQF